The following is an entry in ClinVar:

ClinVar aggregate classification (germline): Pathogenic. Review status: criteria provided, multiple submitters, no conflicts (2 of 4 stars). 3 submissions from 3 submitters: Pathogenic (3). Last evaluated 2021-07-15.

Conditions:
Peutz-Jeghers syndrome (PJS). Also called: Peutz-Jeghers polyposis; Periorificial lentiginosis syndrome; POLYPOSIS, HAMARTOMATOUS INTESTINAL; POLYPS-AND-SPOTS SYNDROME. Identifiers: Orphanet 2869, MedGen C0031269, MeSH D010580, MONDO:0008280, OMIM 175200.
Hereditary cancer-predisposing syndrome. Also called: Hereditary neoplastic syndrome; Tumor predisposition; Neoplastic Syndromes, Hereditary; Hereditary Cancer Syndrome. Identifiers: Orphanet 140162, MedGen C0027672, MeSH D009386, MONDO:0015356.

Submissions (3):

Genome-Nilou Lab
Classification: Pathogenic for Peutz-Jeghers syndrome. Last evaluated: 2021-07-15. Review status: criteria provided, single submitter. Criteria: ACMG Guidelines, 2015. Collection method: clinical testing. Allele origin: germline. Affected: no.

Labcorp Genetics (formerly Invitae), Labcorp
Classification: Pathogenic for Peutz-Jeghers syndrome. Last evaluated: 2020-12-30. Review status: criteria provided, single submitter. Criteria: Invitae Variant Classification Sherloc (09022015). Collection method: clinical testing. Allele origin: germline.
Comment: For these reasons, this variant has been classified as Pathogenic. Algorithms developed to predict the effect of sequence changes on RNA splicing suggest that this variant may disrupt the consensus splice site, but this prediction has not been confirmed by published transcriptional studies. Disruptions of this splice site have been observed in several individuals affected with Peutz-Jeghers syndrome (PMID: 11389158, Invitae). This splice site is also known as IVS4-2 in the literature. ClinVar contains an entry for this variant (Variation ID: 428770). This variant is not present in population databases (ExAC no frequency). This sequence change affects an acceptor splice site in intron 4 of the STK11 gene. It is expected to disrupt RNA splicing. Variants that disrupt the donor or acceptor splice site typically lead to a loss of protein function (PMID: 16199547), and loss-of-function variants in STK11 are known to be pathogenic (PMID: 15188174, 16287113).

Ambry Genetics
Classification: Pathogenic for Hereditary cancer-predisposing syndrome. Last evaluated: 2018-02-19. Review status: criteria provided, single submitter. Criteria: Ambry Variant Classification Scheme 2023. Collection method: clinical testing. Allele origin: germline.
Comment: The c.598-2A>G intronic pathogenic mutation results from an A to G substitution two nucleotides upstream from coding exon 5 in the STK11 gene. While c.598-2A>G has not been reported in the literature to date, another alteration at the same location, c.598-2A>T (also referred to as IVS4-2A>T), has been detected in Peutz-Jeghers cohorts (Olschwang S et al. J. Med. Genet. 2001 Jun; 38(6):356-60; Hearle N et al. Clin. Cancer Res. 2006 May; 12(10):3209-15). In addition to the clinical data presented in the literature, alterations that disrupt the canonical splice site are expected to cause aberrant splicing, resulting in an abnormal protein or a transcript that is subject to nonsense-mediated mRNA decay. As such, this alteration is classified as a disease-causing mutation.

Literature cited by the submitters: PubMed 11389158 (cited by Labcorp Genetics (formerly Invitae), Labcorp and Ambry Genetics); PubMed 16199547 (cited by Labcorp Genetics (formerly Invitae), Labcorp); PubMed 15188174 (cited by Labcorp Genetics (formerly Invitae), Labcorp); PubMed 16287113 (cited by Labcorp Genetics (formerly Invitae), Labcorp); PubMed 16707622 (cited by Ambry Genetics).

NM_000455.5(STK11):c.598-2A>G

Gene: STK11 (serine/threonine kinase 11; plus strand). Cytogenetic location: 19p13.3.
Variant type: single nucleotide variant.
Coding change: c.598-2A>G on transcript NM_000455.5 (MANE Select); the canonical splice acceptor site of the intron before coding-DNA position 598, A replaced by G.
Molecular consequence: splice acceptor variant.
Genome position (GRCh38, 1-based): chr19:1,220,579, A>G. VCF-style: chr19-1220579-A-G. GRCh37 (hg19) VCF-style: chr19-1220578-A-G.
Other names: c.598-2A>G (NM_001407255.1).
Identifiers: ClinVar variation 428770 (VCV000428770.16), dbSNP rs1131690934, ClinGen allele CA402949381.